The following is an entry in ClinVar:

NM_000038.6(APC):c.2879_2883del (p.Ser959_Ser960insTer)

Gene: APC (APC regulator of Wnt signaling pathway; plus strand). Cytogenetic location: 5q22.2.
Variant type: Deletion.
Coding change: c.2879_2883del on transcript NM_000038.6 (MANE Select); coding-DNA positions 2879 to 2883, 5 bases deleted (CAAAT; older notation c.2879_2883delCAAAT).
Protein change: p.Ser959_Ser960insTer.
Molecular consequence: nonsense.
Genome position (GRCh38, 1-based): chr5:112,838,473-112,838,477, CAAAT deleted; deleting any 5 consecutive bases within chr5:112,838,472-112,838,477 gives the same sequence; the c. name uses the placement nearest the transcript's 3' end. VCF-style (leftmost placement, unchanged base first): chr5-112838471-TTCAAA-T. GRCh37 (hg19) VCF-style: chr5-112174168-TTCAAA-T.
Other names: c.2879_2883del, p.Ser959_Ser960insTer (NM_001127510.3, NM_001354895.2); c.2825_2829del, p.Ser941_Ser942insTer (NM_001127511.3); c.2933_2937del, p.Ser977_Ser978insTer (NM_001354896.2); c.2909_2913del, p.Ser969_Ser970insTer (NM_001354897.2); c.2804_2808del, p.Ser934_Ser935insTer (NM_001354898.2); c.2795_2799del, p.Ser931_Ser932insTer (NM_001354899.2); c.2756_2760del, p.Ser918_Ser919insTer (NM_001354900.2); c.2702_2706del, p.Ser900_Ser901insTer (NM_001354901.2); and 5 more.
Identifiers: ClinVar variation 233574 (VCV000233574.6), dbSNP rs876660496, ClinGen allele CA10578345.
Genomic context (GRCh38, chr5:112,838,471, plus strand): 5'-GTCGGAAAATTCAAATAGGACATGTTCTATGCCTTATGCCAAATTAGAATACAAGAGATC[TTCAAA>T]TGATAGTTTAAATAGTGTCAGTAGTAGTGATGGTTATGGTAAAAGAGGTCAAATGAAACC-3'

ClinVar aggregate classification (germline): Pathogenic (1 of 4 stars; one submission).

Conditions:
Hereditary cancer-predisposing syndrome. Also called: Neoplastic Syndromes, Hereditary; Tumor predisposition; Hereditary Cancer Syndrome; Hereditary neoplastic syndrome. Identifiers: Orphanet 140162, MedGen C0027672, MeSH D009386, MONDO:0015356.

Submission:

Ambry Genetics
Classification: Pathogenic for Hereditary cancer-predisposing syndrome. Last evaluated: 2023-05-11. Review status: criteria provided, single submitter. Criteria: Ambry Variant Classification Scheme 2023. Collection method: clinical testing. Allele origin: germline.
Comment: The c.2879_2883delCAAAT pathogenic mutation, located in coding exon 15 of the APC gene, results from a deletion of 5 nucleotides at nucleotide positions 2879 to 2883, causing a translational frameshift with a predicted alternate stop codon (p.S960*). This alteration has been observed in at least one individual with a personal and/or family history that is consistent with APC-related disease (Ambry internal data). This variant is considered to be rare based on population cohorts in the Genome Aggregation Database (gnomAD). This alteration is expected to result in loss of function by premature protein truncation or nonsense-mediated mRNA decay. As such, this alteration is interpreted as a disease-causing mutation.